The following is an entry in ClinVar:

ClinVar aggregate classification (germline): Uncertain significance. Review status: criteria provided, multiple submitters, no conflicts (2 of 4 stars). 4 submissions from 4 submitters: Uncertain significance (4). Last evaluated 2026-05-21.

Conditions:
SLC25A13-related disorder. Also called: SLC25A13-related condition.
Inborn genetic diseases. Identifiers: MedGen C0950123, MeSH D030342.

Allele frequency attached by ClinVar (database versions not stated): ESP Exome Variant Server 0.00008; 1000 Genomes Project 30x 0.00016.
gnomAD v4.1: 160 of 1,614,160 alleles (0.0099%); highest among the groups gnomAD compares: African/African-American, 0.015%; no homozygotes.

Submissions (4):

PreventionGenetics, part of Exact Sciences
Classification: Uncertain significance for SLC25A13-related condition. Last evaluated: 2026-05-21. Review status: criteria provided, single submitter. Criteria: ACMG Guidelines, 2015. Collection method: clinical testing. Allele origin: germline.
Comment: The SLC25A13 c.1909G>A variant is predicted to result in the amino acid substitution p.Val637Ile. To our knowledge, this variant has not been reported in the literature. This variant is reported in 0.0080% of alleles in individuals of African descent in gnomAD. At this time, the clinical significance of this variant is uncertain due to the absence of conclusive functional and genetic evidence.

Ambry Genetics
Classification: Uncertain significance for Inborn genetic diseases. Last evaluated: 2025-02-08. Review status: criteria provided, single submitter. Criteria: Ambry Variant Classification Scheme 2023. Collection method: clinical testing. Allele origin: germline.

Blueprint Genetics
Classification: Uncertain significance. Last evaluated: 2024-11-06. Review status: criteria provided, single submitter. Criteria: ACMG Guidelines, 2015. Collection method: clinical testing. Allele origin: germline.

Revvity Omics, Revvity
Classification: Uncertain significance. Last evaluated: 2021-06-15. Review status: criteria provided, single submitter. Criteria: ACMG Guidelines, 2015. Collection method: clinical testing. Allele origin: germline.

NM_014251.3(SLC25A13):c.1909G>A (p.Val637Ile)

Gene: SLC25A13 (solute carrier family 25 member 13; minus strand). Cytogenetic location: 7q21.3.
Variant type: single nucleotide variant.
Coding change: c.1909G>A on transcript NM_014251.3 (MANE Select); coding-DNA position 1909, G replaced by A.
Protein change: p.Val637Ile; replaces valine 637 with isoleucine.
Molecular consequence: missense variant. On other transcripts: non-coding transcript variant (1).
Genome position (GRCh38, 1-based): chr7:96,121,310, C>T on the plus strand (G>A on the coding strand, the complement: SLC25A13 is on the minus strand). VCF-style: chr7-96121310-C-T. GRCh37 (hg19) VCF-style: chr7-95750622-C-T.
Other names: c.1912G>A, p.Val638Ile (NM_001160210.2); c.1909G>A (NM_014251.2); short protein forms V637I, V638I.
Identifiers: ClinVar variation 2435988 (VCV002435988.6), dbSNP rs151330313, ClinGen allele CA4352746.